The following is an entry in ClinVar:

ClinVar aggregate classification (germline): Uncertain significance (1 of 4 stars; one submission).

Conditions:
Hyperkalemic periodic paralysis. Also called: Familial hyperkalemic periodic paralysis; Gamstorp disease. Identifiers: Orphanet 682, MedGen C0238357, MONDO:0008224, OMIM 170500, HP:0007215.

gnomAD v4.1: 12 of 1,610,380 alleles (0.00075%); highest among the groups gnomAD compares: Non-Finnish European, 0.001%; no homozygotes.

Submission:

Labcorp Genetics (formerly Invitae), Labcorp
Classification: Uncertain significance for Hyperkalemic periodic paralysis. Last evaluated: 2025-01-21. Review status: criteria provided, single submitter. Criteria: Invitae Variant Classification Sherloc (09022015). Collection method: clinical testing. Allele origin: germline.
Comment: This sequence change replaces tryptophan, which is neutral and slightly polar, with cysteine, which is neutral and slightly polar, at codon 1002 of the SCN4A protein (p.Trp1002Cys). This variant is present in population databases (rs777574815, gnomAD 0.005%). This variant has not been reported in the literature in individuals affected with SCN4A-related conditions. Invitae Evidence Modeling of protein sequence and biophysical properties (such as structural, functional, and spatial information, amino acid conservation, physicochemical variation, residue mobility, and thermodynamic stability) indicates that this missense variant is not expected to disrupt SCN4A protein function with a negative predictive value of 95%. In summary, the available evidence is currently insufficient to determine the role of this variant in disease. Therefore, it has been classified as a Variant of Uncertain Significance.

NM_000334.4(SCN4A):c.3006G>C (p.Trp1002Cys)

Genes: GH-LCR (growth hormone locus control region; plus strand), SCN4A (sodium voltage-gated channel alpha subunit 4; minus strand). Cytogenetic location: 17q23.3.
Variant type: single nucleotide variant.
Coding change: c.3006G>C on transcript NM_000334.4 (MANE Select); coding-DNA position 3006, G replaced by C.
Protein change: p.Trp1002Cys; replaces tryptophan 1002 with cysteine.
Molecular consequence: missense variant.
Genome position (GRCh38, 1-based): chr17:63,948,749, C>G on the plus strand (G>C on the coding strand, the complement: SCN4A is on the minus strand). VCF-style: chr17-63948749-C-G. GRCh37 (hg19) VCF-style: chr17-62026109-C-G.
Other names: short protein forms W1002C.
Identifiers: ClinVar variation 3630744 (VCV003630744.2).